The following is an entry in ClinVar:

NM_017534.6(MYH2):c.1588-3T>C

Genes: MYH2 (myosin heavy chain 2; minus strand), MYHAS (myosin heavy chain gene cluster antisense RNA; plus strand). Cytogenetic location: 17p13.1.
Variant type: single nucleotide variant.
Coding change: c.1588-3T>C on transcript NM_017534.6 (MANE Select); 3 bases into the intron before coding-DNA position 1588, T replaced by C.
Molecular consequence: intron variant.
Genome position (GRCh38, 1-based): chr17:10,537,545, A>G on the plus strand (T>C on the coding strand, the complement: MYH2 is on the minus strand). VCF-style: chr17-10537545-A-G. GRCh37 (hg19) VCF-style: chr17-10440862-A-G.
Other names: c.1588-3T>C (NM_001100112.2).
Identifiers: ClinVar variation 2799321 (VCV002799321.3), dbSNP rs2508452006, ClinGen allele CA2739267158.

ClinVar aggregate classification (germline): Uncertain significance (1 of 4 stars; one submission).

Conditions:
Myopathy, proximal, and ophthalmoplegia (CMYO6). Also called: INCLUSION BODY MYOPATHY 3, AUTOSOMAL DOMINANT; CONGENITAL MYOPATHY 6 WITH OPHTHALMOPLEGIA; MYOPATHY WITH CONGENITAL JOINT CONTRACTURES, OPHTHALMOPLEGIA, AND RIMMED VACUOLES. Identifiers: Orphanet 363677, Orphanet 79091, MedGen C1854106, MONDO:0011577, OMIM 605637.

Submission:

Labcorp Genetics (formerly Invitae), Labcorp
Classification: Uncertain significance for Myopathy, proximal, and ophthalmoplegia. Last evaluated: 2025-08-04. Review status: criteria provided, single submitter. Criteria: Invitae Variant Classification Sherloc (09022015). Collection method: clinical testing. Allele origin: germline.
Comment: This sequence change falls in intron 15 of the MYH2 gene. It does not directly change the encoded amino acid sequence of the MYH2 protein. It affects a nucleotide within the consensus splice site. This variant is not present in population databases (gnomAD no frequency). This variant has not been reported in the literature in individuals affected with MYH2-related conditions. ClinVar contains an entry for this variant (Variation ID: 2799321). Variants that disrupt the consensus splice site are a relatively common cause of aberrant splicing (PMID: 17576681, 9536098). Algorithms developed to predict the effect of sequence changes on RNA splicing suggest that this variant is not likely to affect RNA splicing. In summary, the available evidence is currently insufficient to determine the role of this variant in disease. Therefore, it has been classified as a Variant of Uncertain Significance.

Literature cited by the submitters: PubMed 17576681; PubMed 9536098.